The following is an entry in ClinVar:

NM_001165963.4(SCN1A):c.2496G>T (p.Trp832Cys)

Gene: SCN1A (sodium voltage-gated channel alpha subunit 1; minus strand). Cytogenetic location: 2q24.3.
Variant type: single nucleotide variant.
Coding change: c.2496G>T on transcript NM_001165963.4 (MANE Select); coding-DNA position 2496, G replaced by T.
Protein change: p.Trp832Cys; replaces tryptophan 832 with cysteine.
Molecular consequence: missense variant. On other transcripts: non-coding transcript variant (1).
Genome position (GRCh38, 1-based): chr2:166,039,516, C>A on the plus strand (G>T on the coding strand, the complement: SCN1A is on the minus strand). VCF-style: chr2-166039516-C-A. GRCh37 (hg19) VCF-style: chr2-166896026-C-A.
Other names: c.2412G>T, p.Trp804Cys (NM_001165964.3, NM_001353957.2, NM_001353958.2); c.2496G>T, p.Trp832Cys (NM_001202435.3, NM_001353948.2); c.2463G>T, p.Trp821Cys (NM_001353949.2, NM_001353950.2, NM_001353951.2 and 2 more transcripts); c.2460G>T, p.Trp820Cys (NM_001353954.2, NM_001353955.2); c.2409G>T, p.Trp803Cys (NM_001353960.2); c.54G>T, p.Trp18Cys (NM_001353961.2); short protein forms W18C, W803C, W804C, W820C, W821C, W832C.
Identifiers: ClinVar variation 1195388 (VCV001195388.2), dbSNP rs1553542309, ClinGen allele CA349062608.

ClinVar aggregate classification (germline): Uncertain significance (1 of 4 stars; one submission).

Submission:

GeneDx
Classification: Uncertain significance. Last evaluated: 2019-09-09. Review status: criteria provided, single submitter. Criteria: GeneDx Variant Classification Process June 2021. Collection method: clinical testing. Allele origin: germline. Affected: yes.
Comment: Not observed in large population cohorts (Lek et al., 2016); The majority of missense variants in this gene are considered pathogenic (Stenson et al., 2014); In silico analysis, which includes protein predictors and evolutionary conservation, supports a deleterious effect; Has not been previously published as pathogenic or benign to our knowledge; This substitution is predicted to be within the intracellular loop between the S2 and S3 transmembrane segments of the second homologous domain